The following is an entry in ClinVar:

NM_012452.3(TNFRSF13B):c.178C>T (p.Arg60Cys)

Gene: TNFRSF13B (TNF receptor superfamily member 13B; minus strand). Cytogenetic location: 17p11.2.
Variant type: single nucleotide variant.
Coding change: c.178C>T on transcript NM_012452.3 (MANE Select); coding-DNA position 178, C replaced by T.
Protein change: p.Arg60Cys; replaces arginine 60 with cysteine.
Molecular consequence: missense variant.
Genome position (GRCh38, 1-based): chr17:16,952,467, G>A on the plus strand (C>T on the coding strand, the complement: TNFRSF13B is on the minus strand). VCF-style: chr17-16952467-G-A. GRCh37 (hg19) VCF-style: chr17-16855781-G-A.
Other names: short protein forms R60C.
Identifiers: ClinVar variation 664687 (VCV000664687.10), dbSNP rs777555444, ClinGen allele CA8414096.

ClinVar aggregate classification (germline): Uncertain significance. Review status: criteria provided, multiple submitters, no conflicts (2 of 4 stars). 4 submissions from 4 submitters: Uncertain significance (3). 1 of the submissions does not count toward it. Last evaluated 2025-02-01.

Conditions:
Immunodeficiency, common variable, 2 (CVID2). Also called: ANTIBODY DEFICIENCY DUE TO TACI DEFECT; HYPOGAMMAGLOBULINEMIA DUE TO TACI DEFICIENCY. Identifiers: Orphanet 1572, MedGen C3150354, MONDO:0009413, OMIM 240500.
TNFRSF13B-related disorder. Also called: TNFRSF13B-related condition.

Allele frequency attached by ClinVar (database versions not stated): gnomAD 0.00001; ExAC 0.00002; gnomAD exomes 0.00002; TOPMed 0.00003.
gnomAD v4.1: 76 of 1,614,024 alleles (0.0047%); highest among the groups gnomAD compares: East Asian, 0.013%; no homozygotes.

Submissions (4):

Labcorp Genetics (formerly Invitae), Labcorp
Classification: Uncertain significance for Immunodeficiency, common variable, 2. Last evaluated: 2025-02-01. Review status: criteria provided, single submitter. Criteria: Invitae Variant Classification Sherloc (09022015). Collection method: clinical testing. Allele origin: germline.
Comment: This sequence change replaces arginine, which is basic and polar, with cysteine, which is neutral and slightly polar, at codon 60 of the TNFRSF13B protein (p.Arg60Cys). This variant is present in population databases (rs777555444, gnomAD 0.02%). This variant has not been reported in the literature in individuals affected with TNFRSF13B-related conditions. ClinVar contains an entry for this variant (Variation ID: 664687). Invitae Evidence Modeling of protein sequence and biophysical properties (such as structural, functional, and spatial information, amino acid conservation, physicochemical variation, residue mobility, and thermodynamic stability) has been performed for this missense variant. However, the output from this modeling did not meet the statistical confidence thresholds required to predict the impact of this variant on TNFRSF13B protein function. In summary, the available evidence is currently insufficient to determine the role of this variant in disease. Therefore, it has been classified as a Variant of Uncertain Significance.

Blueprint Genetics
Classification: Uncertain significance. Last evaluated: 2024-09-02. Review status: criteria provided, single submitter. Criteria: ACMG Guidelines, 2015. Collection method: clinical testing. Allele origin: germline.

Breakthrough Genomics
Classification: Uncertain significance. Review status: criteria provided, single submitter. Criteria: ACMG Guidelines, 2015. Collection method: not provided. Allele origin: germline. Inheritance: Autosomal recessive inheritance. Affected: yes.

PreventionGenetics, part of Exact Sciences
Classification: Uncertain significance for TNFRSF13B-related condition. Last evaluated: 2024-09-23. Review status: no assertion criteria provided. Collection method: clinical testing. Allele origin: germline. Not counted in ClinVar's aggregate classification.
Comment: The TNFRSF13B c.178C>T variant is predicted to result in the amino acid substitution p.Arg60Cys. To our knowledge, this variant has not been reported in the literature. This variant is reported in 0.016% of alleles in individuals of East Asian descent in gnomAD. At this time, the clinical significance of this variant is uncertain due to the absence of conclusive functional and genetic evidence.